The following is an entry in ClinVar:

ClinVar aggregate classification (germline): Uncertain significance (1 of 4 stars; one submission).

Conditions:
Retinoblastoma (RB1). Also called: RETINOBLASTOMA, SOMATIC. Identifiers: Orphanet 790, MedGen C0035335, MeSH D012175, MONDO:0008380, OMIM 180200, HP:0009919. Disease mechanism: loss of function. Inheritance: Both sporadic and heritable forms are tested..

Submission:

Labcorp Genetics (formerly Invitae), Labcorp
Classification: Uncertain significance for Retinoblastoma. Last evaluated: 2025-10-06. Review status: criteria provided, single submitter. Criteria: Invitae Variant Classification Sherloc (09022015). Collection method: clinical testing. Allele origin: germline.
Comment: This variant occurs in a non-coding region of the RB1 gene. It does not change the encoded amino acid sequence of the RB1 protein. This variant is not present in population databases (gnomAD no frequency). This variant has not been reported in the literature in individuals affected with RB1-related conditions. In summary, the available evidence is currently insufficient to determine the role of this variant in disease. Therefore, it has been classified as a Variant of Uncertain Significance.

NM_000321.3(RB1):c.-61C>G

Gene: RB1 (RB transcriptional corepressor 1; plus strand). Cytogenetic location: 13q14.2.
Variant type: single nucleotide variant.
Coding change: c.-61C>G on transcript NM_000321.3 (MANE Select); 61 bases upstream of the start codon, C replaced by G.
Molecular consequence: 5 prime UTR variant.
Genome position (GRCh38, 1-based): chr13:48,303,852, C>G. VCF-style: chr13-48303852-C-G. GRCh37 (hg19) VCF-style: chr13-48877988-C-G.
Other names: c.-61C>G (NM_001407165.1, NM_001407166.1, NM_001407167.1).
Identifiers: ClinVar variation 4780595 (VCV004780595.1).